The following is an entry in ClinVar:

NM_001130009.3(GEN1):c.2537A>G (p.His846Arg)

Gene: GEN1 (GEN1 structure-specific endonuclease; plus strand). Cytogenetic location: 2p24.2.
Variant type: single nucleotide variant.
Coding change: c.2537A>G on transcript NM_001130009.3 (MANE Select); coding-DNA position 2537, A replaced by G.
Protein change: p.His846Arg; replaces histidine 846 with arginine.
Molecular consequence: missense variant.
Genome position (GRCh38, 1-based): chr2:17,781,749, A>G. VCF-style: chr2-17781749-A-G. GRCh37 (hg19) VCF-style: chr2-17963016-A-G.
Other names: c.2537A>G, p.His846Arg (NM_182625.5); short protein forms H846R.
Identifiers: ClinVar variation 4857944 (VCV004857944.1).

ClinVar aggregate classification (germline): Uncertain significance (1 of 4 stars; one submission).

gnomAD v4.1: 2 of 1,613,564 alleles (0.00012%); highest among the groups gnomAD compares: Non-Finnish European, 0.000085%; no homozygotes.

Submission:

Ambry Genetics
Classification: Uncertain significance. Last evaluated: 2026-03-23. Review status: criteria provided, single submitter. Criteria: Ambry Variant Classification Scheme 2023. Collection method: clinical testing. Allele origin: germline.
Comment: The p.H846R variant (also known as c.2537A>G), located in coding exon 13 of the GEN1 gene, results from an A to G substitution at nucleotide position 2537. The histidine at codon 846 is replaced by arginine, an amino acid with highly similar properties. This amino acid position is conserved. In addition, this alteration is predicted to be tolerated by in silico analysis. Based on the available evidence, the clinical significance of this variant remains unclear.